The following is an entry in ClinVar:

NM_018127.7(ELAC2):c.2404G>A (p.Gly802Ser)

Gene: ELAC2 (elaC ribonuclease Z 2; minus strand). Cytogenetic location: 17p12.
Variant type: single nucleotide variant.
Coding change: c.2404G>A on transcript NM_018127.7 (MANE Select); coding-DNA position 2404, G replaced by A.
Protein change: p.Gly802Ser; replaces glycine 802 with serine.
Molecular consequence: missense variant.
Genome position (GRCh38, 1-based): chr17:12,992,895, C>T on the plus strand (G>A on the coding strand, the complement: ELAC2 is on the minus strand). VCF-style: chr17-12992895-C-T. GRCh37 (hg19) VCF-style: chr17-12896212-C-T.
Other names: p.Gly802Ser; c.2284G>A, p.Gly762Ser (NM_001165962.2); c.2401G>A, p.Gly801Ser (NM_173717.2); short protein forms G802S, G762S, G801S.
Identifiers: ClinVar variation 241277 (VCV000241277.3), dbSNP rs147779718, ClinGen allele CA8400804.
Genomic context (GRCh38, chr17:12,992,895, plus strand): 5'-TCTTGGCCTGTGGCTCCTCTGTGTGGGCCCGCTTCTGCTGAGGCTCCCCATCCTCCAGGC[C>T]GCCTGCCAGCTCCCTGGACAGGAGGGCCGCCCGCACCTGCCGCAGCTCCCGCTTCTCCCT-3'
Protein context (NP_060597.4, residues 792-812): AALLSRELAG[Gly802Ser]LEDGEPQQKR

ClinVar aggregate classification (germline): Uncertain significance. Review status: criteria provided, multiple submitters, no conflicts (2 of 4 stars). 2 submissions from 2 submitters: Uncertain significance (2). Last evaluated 2025-08-15.

Conditions:
Combined oxidative phosphorylation defect type 17. Also called: Combined oxidative phosphorylation deficiency 17. Identifiers: Orphanet 369913, MedGen C3809526, MONDO:0014190, OMIM 615440.

Allele frequency attached by ClinVar (database versions not stated): gnomAD exomes 0.00002; gnomAD 0.00007; TOPMed 0.00007; ESP Exome Variant Server 0.00008; ExAC 0.00002.
gnomAD v4.1: 43 of 1,612,174 alleles (0.0027%); highest among the groups gnomAD compares: African/African-American, 0.024%; no homozygotes.

Submissions (2):

Mayo Clinic Laboratories, Mayo Clinic
Classification: Uncertain significance. Last evaluated: 2025-08-15. Review status: criteria provided, single submitter. Criteria: ACMG Guidelines, 2015. Collection method: clinical testing. Allele origin: germline. Observed: 1 variant allele.
Comment: BP4_moderate

Labcorp Genetics (formerly Invitae), Labcorp
Classification: Uncertain significance for Combined oxidative phosphorylation defect type 17. Last evaluated: 2022-08-20. Review status: criteria provided, single submitter. Criteria: Invitae Variant Classification Sherloc (09022015). Collection method: clinical testing. Allele origin: germline.
Comment: This sequence change replaces glycine, which is neutral and non-polar, with serine, which is neutral and polar, at codon 802 of the ELAC2 protein (p.Gly802Ser). This variant is present in population databases (rs147779718, gnomAD 0.02%). This variant has not been reported in the literature in individuals affected with ELAC2-related conditions. ClinVar contains an entry for this variant (Variation ID: 241277). Algorithms developed to predict the effect of missense changes on protein structure and function output the following: SIFT: "Tolerated"; PolyPhen-2: "Benign"; Align-GVGD: "Class C0". The serine amino acid residue is found in multiple mammalian species, which suggests that this missense change does not adversely affect protein function. In summary, the available evidence is currently insufficient to determine the role of this variant in disease. Therefore, it has been classified as a Variant of Uncertain Significance.